The following is an entry in ClinVar:

NM_000218.3(KCNQ1):c.839T>A (p.Val280Glu)

Gene: KCNQ1 (potassium voltage-gated channel subfamily Q member 1; plus strand). Cytogenetic location: 11p15.5.
Variant type: single nucleotide variant.
Coding change: c.839T>A on transcript NM_000218.3 (MANE Select); coding-DNA position 839, T replaced by A.
Protein change: p.Val280Glu; replaces valine 280 with glutamic acid.
Molecular consequence: missense variant.
Genome position (GRCh38, 1-based): chr11:2,572,904, T>A. VCF-style: chr11-2572904-T-A. GRCh37 (hg19) VCF-style: chr11-2594134-T-A.
Other names: c.839T>A (LRG_287t1); c.839T>A, p.Val280Glu (NM_001406836.1); c.569T>A, p.Val190Glu (NM_001406837.1); c.458T>A, p.Val153Glu (NM_181798.2); short protein forms V280E, V153E, V190E.
Identifiers: ClinVar variation 53117 (VCV000053117.52), dbSNP rs199473462, ClinGen allele CA008454.

ClinVar aggregate classification (germline): Pathogenic/Likely pathogenic. Review status: criteria provided, multiple submitters, no conflicts (2 of 4 stars). 3 submissions from 3 submitters: Pathogenic (1); Likely pathogenic (1). 1 of the submissions does not count toward it. Last evaluated 2025-11-03.

Conditions:
Cardiac arrhythmia. Also called: Arrhythmia; Cardiac rhythm disease. Identifiers: MedGen C0003811, MONDO:0007263, HP:0011675.
Familial long QT syndrome (RWS). Also called: Congenital long QT syndrome; Romano-Ward syndrome; VENTRICULAR FIBRILLATION WITH PROLONGED QT INTERVAL. Identifiers: Orphanet 768, MedGen C1141890, MONDO:0019171.
Long QT syndrome (LQTS). Identifiers: MedGen C0023976, MeSH D008133, MONDO:0002442. Disease mechanism: loss of function. Inheritance: Various modes of inheritance.

gnomAD v4.1: 1 of 1,613,850 alleles (0.000062%); highest among the groups gnomAD compares: Non-Finnish European, 0.000085%; no homozygotes.

Submissions (3):

Labcorp Genetics (formerly Invitae), Labcorp
Classification: Pathogenic for Long QT syndrome. Last evaluated: 2025-11-03. Review status: criteria provided, single submitter. Criteria: Invitae Variant Classification Sherloc (09022015). Collection method: clinical testing. Allele origin: germline.
Comment: This sequence change replaces valine, which is neutral and non-polar, with glutamic acid, which is acidic and polar, at codon 280 of the KCNQ1 protein (p.Val280Glu). This variant is not present in population databases (gnomAD no frequency). This missense change has been observed in individuals with long QT syndrome (PMID: 16414944, 19716085, 21956039, 23158531; internal data). ClinVar contains an entry for this variant (Variation ID: 53117). Invitae Evidence Modeling of protein sequence and biophysical properties (such as structural, functional, and spatial information, amino acid conservation, physicochemical variation, residue mobility, and thermodynamic stability) indicates that this missense variant is expected to disrupt KCNQ1 protein function with a positive predictive value of 95%. Experimental studies have shown that this missense change affects KCNQ1 function (PMID: 34930020). For these reasons, this variant has been classified as Pathogenic.

Color Diagnostics, LLC DBA Color Health
Classification: Likely pathogenic for Cardiac arrhythmia. Last evaluated: 2024-03-13. Review status: criteria provided, single submitter. Criteria: ACMG Guidelines, 2015. Collection method: clinical testing. Allele origin: germline.
Comment: This missense variant replaces valine with glutamic acid at codon 280 of the KCNQ1 protein. This variant is found within a highly conserved region of the transmembrane domain S5. Rare nontruncating variants in this region have been shown to be significantly overrepresented in individuals with long QT syndrome (PMID: 32893267). A functional study has shown that this variant causes a large reduction of channel peak current density when expressed in Chinese hamster ovary cells (PMID: 34930020). This variant has been reported in at least three unrelated individuals affected with long QT syndrome (PMID: 16414944, 23158531, 32893267, 34930020, ClinVar SCV000074156.6) and in two individuals suspected of long QT syndrome (PMID: 19716085, 21956039). This variant has not been identified in the general population by the Genome Aggregation Database (gnomAD). Based on the available evidence, this variant is classified as Likely Pathogenic.

Cardiovascular Biomedical Research Unit, Royal Brompton & Harefield NHS Foundation Trust
No classification provided. Condition: Familial long QT syndrome. Review status: no classification provided. Collection method: literature only. Allele origin: germline. Not counted in ClinVar's aggregate classification.
Comment: This variant has been reported as associated with Long QT syndrome in the following publications (PMID:16414944;PMID:19716085). This is a literature report, and does not necessarily reflect the clinical interpretation of the Imperial College / Royal Brompton Cardiovascular Genetics laboratory.

Literature cited by the submitters: PubMed 16414944 (cited by 3 submitters); PubMed 19716085 (cited by 3 submitters); PubMed 21956039 (cited by Labcorp Genetics (formerly Invitae), Labcorp and Color Diagnostics, LLC DBA Color Health); PubMed 23158531 (cited by Labcorp Genetics (formerly Invitae), Labcorp and Color Diagnostics, LLC DBA Color Health); PubMed 34930020 (cited by Labcorp Genetics (formerly Invitae), Labcorp and Color Diagnostics, LLC DBA Color Health); PubMed 32893267 (cited by Color Diagnostics, LLC DBA Color Health); PubMed 22581653 (cited by Cardiovascular Biomedical Research Unit, Royal Brompton & Harefield NHS Foundation Trust).